The following is an entry in ClinVar:

ClinVar aggregate classification (germline): Uncertain significance (1 of 4 stars; one submission).

gnomAD v4.1: 3 of 1,189,420 alleles (0.00025%); highest among the groups gnomAD compares: South Asian, 0.0036%; no homozygotes.

Submission:

Labcorp Genetics (formerly Invitae), Labcorp
Classification: Uncertain significance. Last evaluated: 2024-02-03. Review status: criteria provided, single submitter. Criteria: Invitae Variant Classification Sherloc (09022015). Collection method: clinical testing. Allele origin: germline.
Comment: This sequence change replaces arginine, which is basic and polar, with glycine, which is neutral and non-polar, at codon 1274 of the POLA1 protein (p.Arg1274Gly). The frequency data for this variant in the population databases is considered unreliable, as metrics indicate poor data quality at this position in the gnomAD database. This variant has not been reported in the literature in individuals affected with POLA1-related conditions. Advanced modeling of protein sequence and biophysical properties (such as structural, functional, and spatial information, amino acid conservation, physicochemical variation, residue mobility, and thermodynamic stability) performed at Invitae indicates that this missense variant is not expected to disrupt POLA1 protein function with a negative predictive value of 80%. In summary, the available evidence is currently insufficient to determine the role of this variant in disease. Therefore, it has been classified as a Variant of Uncertain Significance.

NM_001330360.2(POLA1):c.3838A>G (p.Arg1280Gly)

Gene: POLA1 (DNA polymerase alpha 1, catalytic subunit; plus strand). Cytogenetic location: Xp22.11.
Variant type: single nucleotide variant.
Coding change: c.3838A>G on transcript NM_001330360.2 (MANE Select); coding-DNA position 3838, A replaced by G.
Protein change: p.Arg1280Gly; replaces arginine 1280 with glycine.
Molecular consequence: missense variant. On other transcripts: non-coding transcript variant (2).
Genome position (GRCh38, 1-based): chrX:24,841,753, A>G. VCF-style: chrX-24841753-A-G. GRCh37 (hg19) VCF-style: chrX-24859870-A-G.
Other names: c.3763A>G, p.Arg1255Gly (NM_001378303.1); c.3820A>G, p.Arg1274Gly (NM_016937.4); short protein forms R1280G, R1274G, R1255G.
Identifiers: ClinVar variation 3679335 (VCV003679335.2).